The following is an entry in ClinVar:

ClinVar aggregate classification (germline): Pathogenic (1 of 4 stars; one submission).

Conditions:
Joubert syndrome 24 (JBTS24). Identifiers: Orphanet 475, MedGen C4084841, MONDO:0014724, OMIM 616654.

Submission:

Juno Genomics, Hangzhou Juno Genomics, Inc
Classification: Pathogenic for Joubert syndrome 24. Review status: criteria provided, single submitter. Criteria: ACMG Guidelines, 2015. Collection method: clinical testing. Allele origin: germline. Affected: yes.
Comment: Absent from controls (or at extremely low frequency if recessive) in Genome Aggregation Database, Exome Sequencing Project, 1000 Genomes Project, or Exome Aggregation Consortium.;Null variant in a gene where loss of function (LOF) is a known mechanism of disease.;For recessive disorders, detected in trans with a pathogenic variant.;Co-segregation with disease in multiple affected family members in a gene definitively known to cause the disease.

NM_024809.5(TCTN2):c.1147G>T (p.Glu383Ter)

Gene: TCTN2 (tectonic family member 2; plus strand). Cytogenetic location: 12q24.31.
Variant type: single nucleotide variant.
Coding change: c.1147G>T on transcript NM_024809.5 (MANE Select); coding-DNA position 1147, G replaced by T.
Protein change: p.Glu383Ter; replaces glutamic acid 383 with a stop codon.
Molecular consequence: nonsense. On other transcripts: intron variant (1).
Genome position (GRCh38, 1-based): chr12:123,694,889, G>T. VCF-style: chr12-123694889-G-T. GRCh37 (hg19) VCF-style: chr12-124179436-G-T.
Other names: c.1144G>T, p.Glu382Ter (NM_001143850.3); c.1100-331G>T (NM_001410989.1); short protein forms E382*, E383*.
Identifiers: ClinVar variation 3381966 (VCV003381966.2).